The following is an entry in ClinVar:

NM_001129.5(AEBP1):c.1009GAG[1] (p.Glu338del)

Gene: AEBP1 (AE binding protein 1; plus strand). Cytogenetic location: 7p13.
Variant type: Microsatellite.
Coding change: c.1009GAG[1] on transcript NM_001129.5 (MANE Select); one copy of the 3-base unit GAG starting at c.1009; the reference has two copies in a row; one copy, 3 bases deleted; also written c.1012_1014del.
Protein change: p.Glu338del; deletes glutamic acid 338.
Molecular consequence: inframe deletion.
Genome position (GRCh38, 1-based): chr7:44,108,970-44,108,972, GAG deleted; deleting any 3 consecutive bases within chr7:44,108,965-44,108,972 gives the same sequence; the position shown is the placement nearest the transcript's 3' end. VCF-style (leftmost placement, unchanged base first): chr7-44108964-AAGG-A. GRCh37 (hg19) VCF-style: chr7-44148563-AAGG-A.
Other names: c.1012_1014del (NM_001129.5); short protein forms E338del.
Identifiers: ClinVar variation 5007211 (VCV005007211.2).
Genomic context (GRCh38, chr7:44,108,964, plus strand): 5'-TATTACTTTGGGCCTCCTCCGCCCCAGAAGCCCGATGCTGAGCGCCAGACAGACGAAGAG[AAGG>A]AGGAGCTGAGTGAGTGGGACCAAGGACTTCCCACACCAGGCCTGCCCTGAAGGCCACCTG-3'

ClinVar aggregate classification (germline): Uncertain significance (1 of 4 stars; one submission).

Conditions:
Ehlers-Danlos syndrome, classic-like, 2. Identifiers: Orphanet 536532, MedGen C4693870, MONDO:0054813, OMIM 618000.

Submission:

Juno Genomics, Hangzhou Juno Genomics, Inc
Classification: Uncertain significance for Ehlers-Danlos syndrome, classic-like, 2. Review status: criteria provided, single submitter. Criteria: ACMG Guidelines, 2015. Collection method: clinical testing. Allele origin: germline.
Comment: Absent from controls (or at extremely low frequency if recessive) in Genome Aggregation Database.;Protein length changes due to in-frame deletions/insertions in a non-repeat region or stop-loss variants.